The following is an entry in ClinVar:

ClinVar aggregate classification (germline): Uncertain significance. Review status: criteria provided, multiple submitters, no conflicts (2 of 4 stars). 3 submissions from 3 submitters: Uncertain significance (3). Last evaluated 2026-02-11.

Conditions:
Inborn genetic diseases. Identifiers: MedGen C0950123, MeSH D030342.
Osteopathia striata with cranial sclerosis (OSCS). Also called: HYPEROSTOSIS GENERALISATA WITH STRIATIONS. Identifiers: Orphanet 2780, MedGen C0432268, MONDO:0010310, OMIM 300373.

Allele frequency attached by ClinVar (database versions not stated): gnomAD 0.00001; TOPMed 0.00001.
gnomAD v4.1: 10 of 1,171,600 alleles (0.00085%); highest among the groups gnomAD compares: Non-Finnish European, 0.0011%; no homozygotes.

Submissions (3):

St. Jude Molecular Pathology, St. Jude Children's Research Hospital
Classification: Uncertain significance for Osteopathia striata with cranial sclerosis. Last evaluated: 2026-02-11. Review status: criteria provided, single submitter. Criteria: St. Jude Assertion Criteria 2020. Collection method: clinical testing. Allele origin: germline.
Comment: The AMER1 c.598G>T p.(Val200Phe) missense change has a maximum subpopul ation frequency of 0.009% in gnomAD v2.1.1. The in silico tool REVEL predicts a benign effect on protein function, but to our knowledge this prediction has not been confirmed by functional studies. To our knowledge, th is variant has not been reported in the literature in individuals with AMER1- associated conditions. In summary, the evidence currently available is insufficient to determine the clinical significance of this variant. It has therefore been classified as of uncertain significance.

Labcorp Genetics (formerly Invitae), Labcorp
Classification: Uncertain significance. Last evaluated: 2025-07-14. Review status: criteria provided, single submitter. Criteria: Invitae Variant Classification Sherloc (09022015). Collection method: clinical testing. Allele origin: germline.
Comment: This sequence change replaces valine, which is neutral and non-polar, with phenylalanine, which is neutral and non-polar, at codon 200 of the AMER1 protein (p.Val200Phe). This variant is present in population databases (rs771513377, gnomAD 0.01%), including at least one homozygous and/or hemizygous individual. This variant has not been reported in the literature in individuals affected with AMER1-related conditions. ClinVar contains an entry for this variant (Variation ID: 1908884). An algorithm developed to predict the effect of missense changes on protein structure and function (PolyPhen-2) suggests that this variant is likely to be tolerated. In summary, the available evidence is currently insufficient to determine the role of this variant in disease. Therefore, it has been classified as a Variant of Uncertain Significance.

Ambry Genetics
Classification: Uncertain significance for Inborn genetic diseases. Last evaluated: 2025-06-18. Review status: criteria provided, single submitter. Criteria: Ambry Variant Classification Scheme 2023. Collection method: clinical testing. Allele origin: germline.

NM_152424.4(AMER1):c.598G>T (p.Val200Phe)

Gene: AMER1 (APC membrane recruitment protein 1; minus strand). Cytogenetic location: Xq11.2.
Variant type: single nucleotide variant.
Coding change: c.598G>T on transcript NM_152424.4 (MANE Select); coding-DNA position 598, G replaced by T.
Protein change: p.Val200Phe; replaces valine 200 with phenylalanine.
Molecular consequence: missense variant.
Genome position (GRCh38, 1-based): chrX:64,192,689, C>A on the plus strand (G>T on the coding strand, the complement: AMER1 is on the minus strand). VCF-style: chrX-64192689-C-A. GRCh37 (hg19) VCF-style: chrX-63412569-C-A.
Other names: c.598G>T (NM_152424.3); short protein forms V200F.
Identifiers: ClinVar variation 1908884 (VCV001908884.7), dbSNP rs771513377, ClinGen allele CA10432452.